The following is an entry in ClinVar:

ClinVar aggregate classification (germline): Pathogenic (1 of 4 stars; one submission).

gnomAD v4.1: 22 of 1,614,146 alleles (0.0014%); highest among the groups gnomAD compares: Non-Finnish European, 0.0019%; no homozygotes.

Submission:

Labcorp Genetics (formerly Invitae), Labcorp
Classification: Pathogenic. Last evaluated: 2024-05-14. Review status: criteria provided, single submitter. Criteria: Invitae Variant Classification Sherloc (09022015). Collection method: clinical testing. Allele origin: germline.
Comment: This sequence change creates a premature translational stop signal (p.Gln56*) in the MYH3 gene. It is expected to result in an absent or disrupted protein product. Loss-of-function variants in MYH3 are known to be pathogenic (PMID: 29805041, 30008475). This variant is present in population databases (rs143973840, gnomAD 0.0009%). This variant has not been reported in the literature in individuals affected with MYH3-related conditions. ClinVar contains an entry for this variant (Variation ID: 1954419). For these reasons, this variant has been classified as Pathogenic.

Literature cited by the submitters: PubMed 29805041; PubMed 30008475.

NM_002470.4(MYH3):c.166C>T (p.Gln56Ter)

Gene: MYH3 (myosin heavy chain 3; minus strand). Cytogenetic location: 17p13.1.
Variant type: single nucleotide variant.
Coding change: c.166C>T on transcript NM_002470.4 (MANE Select); coding-DNA position 166, C replaced by T.
Protein change: p.Gln56Ter; replaces glutamine 56 with a stop codon.
Molecular consequence: nonsense.
Genome position (GRCh38, 1-based): chr17:10,654,899, G>A on the plus strand (C>T on the coding strand, the complement: MYH3 is on the minus strand). VCF-style: chr17-10654899-G-A. GRCh37 (hg19) VCF-style: chr17-10558216-G-A.
Other names: short protein forms Q56*.
Identifiers: ClinVar variation 1954419 (VCV001954419.5), dbSNP rs143973840, ClinGen allele CA8393402.
Genomic context (GRCh38, chr17:10,654,899, plus strand): 5'-TGTGGAGGGTACAGAGCCTTACCCTGTTGTCCTCAGTTTCCACAGTGACCTTCCCATCCT[G>A]AGAACTCTTGATTTTCCCCTTGGCATATTCTTCCTTTGAGTCCACCACGAAGCAATACGT-3'